The following is an entry in ClinVar:

ClinVar aggregate classification (germline): Likely benign. Review status: criteria provided, multiple submitters, no conflicts (2 of 4 stars). 2 submissions from 2 submitters: Likely benign (2). Last evaluated 2026-07-01.

Allele frequency attached by ClinVar (database versions not stated): gnomAD exomes below 0.00001 and 0.00003; gnomAD 0.00011.

Submissions (2):

CeGaT Center for Human Genetics Tuebingen
Classification: Likely benign. Last evaluated: 2026-07-01. Review status: criteria provided, single submitter. Criteria: CeGaT Center For Human Genetics Tuebingen Variant Classification Criteria Version 2. Collection method: clinical testing. Allele origin: germline. Affected: yes. Observed: 6 variant alleles.
Comment: NEFH: BP4, BP7

Labcorp Genetics (formerly Invitae), Labcorp
Classification: Likely benign. Last evaluated: 2025-12-15. Review status: criteria provided, single submitter. Criteria: Invitae Variant Classification Sherloc (09022015). Collection method: clinical testing. Allele origin: germline.

NM_021076.4(NEFH):c.2157T>C (p.Pro719=)

Gene: NEFH (neurofilament heavy chain; plus strand). Cytogenetic location: 22q12.2.
Variant type: single nucleotide variant.
Coding change: c.2157T>C on transcript NM_021076.4 (MANE Select); coding-DNA position 2157, T replaced by C.
Protein change: p.Pro719=; no amino-acid change (proline 719 retained).
Molecular consequence: synonymous variant.
Genome position (GRCh38, 1-based): chr22:29,489,797, T>C. VCF-style: chr22-29489797-T-C. GRCh37 (hg19) VCF-style: chr22-29885786-T-C.
Identifiers: ClinVar variation 1592653 (VCV001592653.32), dbSNP rs552385741, ClinGen allele CA514338984.